The following is an entry in ClinVar:

ClinVar aggregate classification (germline): Uncertain significance (1 of 4 stars; one submission).

Conditions:
Werner syndrome (WRN). Identifiers: Orphanet 902, MedGen C0043119, MONDO:0010196, OMIM 277700.

Allele frequency attached by ClinVar (database versions not stated): ExAC 0.00001.
gnomAD v4.1: 1 of 1,613,134 alleles (0.000062%); no homozygotes.

Submission:

Labcorp Genetics (formerly Invitae), Labcorp
Classification: Uncertain significance for Werner syndrome. Last evaluated: 2022-04-23. Review status: criteria provided, single submitter. Criteria: Invitae Variant Classification Sherloc (09022015). Collection method: clinical testing. Allele origin: germline.
Comment: This sequence change falls in intron 4 of the WRN gene. It does not directly change the encoded amino acid sequence of the WRN protein. This variant is present in population databases (rs772202608, gnomAD no frequency). This variant has not been reported in the literature in individuals affected with WRN-related conditions. Algorithms developed to predict the effect of sequence changes on RNA splicing suggest that this variant may disrupt the consensus splice site. In summary, the available evidence is currently insufficient to determine the role of this variant in disease. Therefore, it has been classified as a Variant of Uncertain Significance.

NM_000553.6(WRN):c.356-8T>G

Gene: WRN (WRN RecQ like helicase; plus strand). Cytogenetic location: 8p12.
Variant type: single nucleotide variant.
Coding change: c.356-8T>G on transcript NM_000553.6 (MANE Select); 8 bases into the intron before coding-DNA position 356, T replaced by G.
Molecular consequence: intron variant.
Genome position (GRCh38, 1-based): chr8:31,064,907, T>G. VCF-style: chr8-31064907-T-G. GRCh37 (hg19) VCF-style: chr8-30922423-T-G.
Identifiers: ClinVar variation 1989751 (VCV001989751.1), dbSNP rs772202608, ClinGen allele CA4704054.
Genomic context (GRCh38, chr8:31,064,907, plus strand): 5'-TATAAGAAGTAGGACATAAATCCATCATACTTGACAGAACTTATGGAAATAACAAGAAAA[T>G]GTTACAGTTTTTCCCCAGGGATTAAAAATGTTGCTTGAAAATAAAGCAGTTAAAAAGGCA-3'